The following is an entry in ClinVar:

NM_001291415.2(KDM6A):c.962G>A (p.Trp321Ter)

Gene: KDM6A (lysine demethylase 6A; plus strand). Cytogenetic location: Xp11.3.
Variant type: single nucleotide variant.
Coding change: c.962G>A on transcript NM_001291415.2 (MANE Select); coding-DNA position 962, G replaced by A.
Protein change: p.Trp321Ter; replaces tryptophan 321 with a stop codon.
Molecular consequence: nonsense. On other transcripts: non-coding transcript variant (1).
Genome position (GRCh38, 1-based): chrX:45,059,092, G>A. VCF-style: chrX-45059092-G-A. GRCh37 (hg19) VCF-style: chrX-44918337-G-A.
Other names: c.962G>A, p.Trp321Ter (NM_001291416.2, NM_001291417.2, NM_001291418.2 and 9 more transcripts); c.209G>A, p.Trp70Ter (NM_001291421.2); short protein forms W321*, W70*.
Identifiers: ClinVar variation 3390299 (VCV003390299.14).

ClinVar aggregate classification (germline): Pathogenic (1 of 4 stars; one submission).

Submission:

CeGaT Center for Human Genetics Tuebingen
Classification: Pathogenic. Last evaluated: 2024-11-01. Review status: criteria provided, single submitter. Criteria: CeGaT Center For Human Genetics Tuebingen Variant Classification Criteria Version 2. Collection method: clinical testing. Allele origin: germline. Affected: yes. Observed: 1 variant allele.
Comment: KDM6A: PVS1, PM2, PS2:Moderate